The following is an entry in ClinVar:

ClinVar aggregate classification (germline): Benign (1 of 4 stars; one submission).

Allele frequency attached by ClinVar (database versions not stated): gnomAD exomes 0.00007; 1000 Genomes Project 30x 0.00047; 1000 Genomes Project 0.00060.
gnomAD v4.1: 73 of 398,642 alleles (0.018%); highest among the groups gnomAD compares: African/African-American, 0.11%; no homozygotes.

Submission:

CeGaT Center for Human Genetics Tuebingen
Classification: Benign. Last evaluated: 2025-07-01. Review status: criteria provided, single submitter. Criteria: CeGaT Center For Human Genetics Tuebingen Variant Classification Criteria Version 2. Collection method: clinical testing. Allele origin: germline. Affected: yes. Observed: 2 variant alleles.
Comment: KCNQ1OT1: BS1, BS2

NM_000218.3(KCNQ1):c.1394-17009G>A

Genes: KCNQ1 (potassium voltage-gated channel subfamily Q member 1; plus strand), KCNQ1OT1 (KCNQ1 opposite strand/antisense transcript 1; minus strand). Cytogenetic location: 11p15.5.
Variant type: single nucleotide variant.
Coding change: c.1394-17009G>A on transcript NM_000218.3 (MANE Select); 17009 bases into the intron before coding-DNA position 1394, G replaced by A.
Molecular consequence: intron variant.
Genome position (GRCh38, 1-based): chr11:2,644,952, G>A. VCF-style: chr11-2644952-G-A. GRCh37 (hg19) VCF-style: chr11-2666182-G-A.
Other names: c.1298-17009G>A (NM_001406836.1); c.854-17009G>A (NM_001406838.1); c.1013-17009G>A (NM_181798.2); c.1124-17009G>A (NM_001406837.1).
Identifiers: ClinVar variation 1694600 (VCV001694600.31), dbSNP rs540371489, ClinGen allele CA216157536.